The following is an entry in ClinVar:

NM_001184.4(ATR):c.1696G>T (p.Val566Leu)

Gene: ATR (ATR serine/threonine kinase; minus strand). Cytogenetic location: 3q23.
Variant type: single nucleotide variant.
Coding change: c.1696G>T on transcript NM_001184.4 (MANE Select); coding-DNA position 1696, G replaced by T.
Protein change: p.Val566Leu; replaces valine 566 with leucine.
Molecular consequence: missense variant.
Genome position (GRCh38, 1-based): chr3:142,559,287, C>A on the plus strand (G>T on the coding strand, the complement: ATR is on the minus strand). VCF-style: chr3-142559287-C-A. GRCh37 (hg19) VCF-style: chr3-142278129-C-A.
Other names: c.1504G>T, p.Val502Leu (NM_001354579.2); short protein forms V502L, V566L.
Identifiers: ClinVar variation 3331621 (VCV003331621.1).
Genomic context (GRCh38, chr3:142,559,287, plus strand): 5'-GATCTGTTGCTAATTTGTACTCACCTTGCATATAAATCAAAGCATCATAAATTTTCACCA[C>A]CTTATCAATGGTTGCCTCCAGGTCCAGTTTCTGAACAGATTCTAACAAACTTCTACAGCT-3'
Protein context (NP_001175.2, residues 556-576): KLDLEATIDK[Val566Leu]VKIYDALIYM

ClinVar aggregate classification (germline): Uncertain significance (1 of 4 stars; one submission).

Conditions:
Inborn genetic diseases. Identifiers: MedGen C0950123, MeSH D030342.

Submission:

Ambry Genetics
Classification: Uncertain significance for Inborn genetic diseases. Last evaluated: 2024-04-19. Review status: criteria provided, single submitter. Criteria: Ambry Variant Classification Scheme 2023. Collection method: clinical testing. Allele origin: germline.
Comment: The p.V566L variant (also known as c.1696G>T), located in coding exon 7 of the ATR gene, results from a G to T substitution at nucleotide position 1696. The valine at codon 566 is replaced by leucine, an amino acid with highly similar properties. This amino acid position is conserved. In addition, this alteration is predicted to be tolerated by in silico analysis. Based on the available evidence, the clinical significance of this variant remains unclear.